The following is an entry in ClinVar:

NM_005068.3(SIM1):c.838G>T (p.Ala280Ser)

Gene: SIM1 (SIM bHLH transcription factor 1; minus strand). Cytogenetic location: 6q16.3.
Variant type: single nucleotide variant.
Coding change: c.838G>T on transcript NM_005068.3 (MANE Select); coding-DNA position 838, G replaced by T.
Protein change: p.Ala280Ser; replaces alanine 280 with serine.
Molecular consequence: missense variant.
Genome position (GRCh38, 1-based): chr6:100,448,158, C>A on the plus strand (G>T on the coding strand, the complement: SIM1 is on the minus strand). VCF-style: chr6-100448158-C-A. GRCh37 (hg19) VCF-style: chr6-100896034-C-A.
Other names: c.838G>T, p.Ala280Ser (NM_001374769.1); short protein forms A280S.
Identifiers: ClinVar variation 5001843 (VCV005001843.1).

ClinVar aggregate classification (germline): Uncertain significance (1 of 4 stars; one submission).

Conditions:
SIM1-related disorder. Also called: SIM1-related disorders; SIM1-related condition.

Submission:

PreventionGenetics, part of Exact Sciences
Classification: Uncertain significance for SIM1-related condition. Last evaluated: 2025-05-19. Review status: criteria provided, single submitter. Criteria: ACMG Guidelines, 2015. Collection method: clinical testing. Allele origin: germline.
Comment: The SIM1 c.838G>T variant is predicted to result in the amino acid substitution p.Ala280Ser. To our knowledge, this variant has not been reported in the literature or in a large population database (gnomAD), indicating this variant is rare. At this time, the clinical significance of this variant is uncertain due to the absence of conclusive functional and genetic evidence.